The following is an entry in ClinVar:

ClinVar aggregate classification (germline): Uncertain significance. Review status: criteria provided, multiple submitters, no conflicts (2 of 4 stars). 2 submissions from 2 submitters: Uncertain significance (2). Last evaluated 2024-05-09.

Conditions:
Aicardi-Goutieres syndrome 4. Identifiers: Orphanet 51, MedGen C1835912, MONDO:0012472, OMIM 610333.
Inborn genetic diseases. Identifiers: MedGen C0950123, MeSH D030342.

Allele frequency attached by ClinVar (database versions not stated): gnomAD exomes 0.00001 and 0.00002; ExAC 0.00002; gnomAD 0.00012 and 0.00013; TOPMed 0.00021.
gnomAD v4.1: 40 of 1,613,960 alleles (0.0025%); highest among the groups gnomAD compares: Admixed American, 0.035%; no homozygotes.

Submissions (2):

Ambry Genetics
Classification: Uncertain significance for Inborn genetic diseases. Last evaluated: 2024-05-09. Review status: criteria provided, single submitter. Criteria: Ambry Variant Classification Scheme 2023. Collection method: clinical testing. Allele origin: germline.

Labcorp Genetics (formerly Invitae), Labcorp
Classification: Uncertain significance for Aicardi-Goutieres syndrome 4. Last evaluated: 2022-10-13. Review status: criteria provided, single submitter. Criteria: Invitae Variant Classification Sherloc (09022015). Collection method: clinical testing. Allele origin: germline.
Comment: This sequence change replaces alanine, which is neutral and non-polar, with valine, which is neutral and non-polar, at codon 218 of the RNASEH2A protein (p.Ala218Val). This variant is present in population databases (rs112503877, gnomAD 0.01%). This variant has not been reported in the literature in individuals affected with RNASEH2A-related conditions. ClinVar contains an entry for this variant (Variation ID: 1010486). Advanced modeling of protein sequence and biophysical properties (such as structural, functional, and spatial information, amino acid conservation, physicochemical variation, residue mobility, and thermodynamic stability) performed at Invitae indicates that this missense variant is not expected to disrupt RNASEH2A protein function. In summary, the available evidence is currently insufficient to determine the role of this variant in disease. Therefore, it has been classified as a Variant of Uncertain Significance.

NM_006397.3(RNASEH2A):c.653C>T (p.Ala218Val)

Gene: RNASEH2A (ribonuclease H2 subunit A; plus strand). Cytogenetic location: 19p13.13.
Variant type: single nucleotide variant.
Coding change: c.653C>T on transcript NM_006397.3 (MANE Select); coding-DNA position 653, C replaced by T.
Protein change: p.Ala218Val; replaces alanine 218 with valine.
Molecular consequence: missense variant.
Genome position (GRCh38, 1-based): chr19:12,813,098, C>T. VCF-style: chr19-12813098-C-T. GRCh37 (hg19) VCF-style: chr19-12923912-C-T.
Other names: c.653C>T (NM_006397.2); short protein forms A218V.
Identifiers: ClinVar variation 1010486 (VCV001010486.5), dbSNP rs112503877, ClinGen allele CA9232000.